The following is an entry in ClinVar:

ClinVar aggregate classification (germline): Uncertain significance (1 of 4 stars; one submission).

Conditions:
Tuberous sclerosis 2 (TSC2). Identifiers: Orphanet 805, MedGen C1860707, MONDO:0013199, OMIM 613254.

gnomAD v4.1: 1 of 1,613,552 alleles (0.000062%); highest among the groups gnomAD compares: Non-Finnish European, 0.000085%; no homozygotes.

Submission:

Labcorp Genetics (formerly Invitae), Labcorp
Classification: Uncertain significance for Tuberous sclerosis 2. Last evaluated: 2025-02-11. Review status: criteria provided, single submitter. Criteria: Invitae Variant Classification Sherloc (09022015). Collection method: clinical testing. Allele origin: germline.
Comment: This sequence change replaces proline, which is neutral and non-polar, with serine, which is neutral and polar, at codon 632 of the TSC2 protein (p.Pro632Ser). This variant is not present in population databases (gnomAD no frequency). This variant has not been reported in the literature in individuals affected with TSC2-related conditions. Invitae Evidence Modeling of protein sequence and biophysical properties (such as structural, functional, and spatial information, amino acid conservation, physicochemical variation, residue mobility, and thermodynamic stability) indicates that this missense variant is not expected to disrupt TSC2 protein function with a negative predictive value of 95%. In summary, the available evidence is currently insufficient to determine the role of this variant in disease. Therefore, it has been classified as a Variant of Uncertain Significance.

NM_000548.5(TSC2):c.1894C>T (p.Pro632Ser)

Gene: TSC2 (TSC complex subunit 2; plus strand). Cytogenetic location: 16p13.3.
Variant type: single nucleotide variant.
Coding change: c.1894C>T on transcript NM_000548.5 (MANE Select); coding-DNA position 1894, C replaced by T.
Protein change: p.Pro632Ser; replaces proline 632 with serine.
Molecular consequence: missense variant. On other transcripts: non-coding transcript variant (5).
Genome position (GRCh38, 1-based): chr16:2,071,564, C>T. VCF-style: chr16-2071564-C-T. GRCh37 (hg19) VCF-style: chr16-2121565-C-T.
Other names: c.1894C>T, p.Pro632Ser (NM_001406665.1, NM_001077183.3, NM_001114382.3 and 6 more transcripts); c.1984C>T, p.Pro662Ser (NM_001406667.1, NM_001406668.1); c.1783C>T, p.Pro595Ser (NM_001406670.1, NM_001406678.1, NM_001318827.2); c.1882C>T, p.Pro628Ser (NM_001406671.1, NM_001406673.1); c.1747C>T, p.Pro583Ser (NM_001406675.1, NM_001406676.1, NM_001318829.2 and 1 more transcripts); c.1837C>T, p.Pro613Ser (NM_001406677.1); c.1294C>T, p.Pro432Ser (NM_001406688.1, NM_001318831.2, NM_001406680.1 and 6 more transcripts); c.550C>T, p.Pro184Ser (NM_001406689.1, NM_001406690.1, NM_001406691.1 and 6 more transcripts); and 3 more; short protein forms P478S, P662S, P632S, P432S, P583S, P595S, P643S, P98S.
Identifiers: ClinVar variation 3679240 (VCV003679240.2).